The following is an entry in ClinVar:

ClinVar aggregate classification (germline): Uncertain significance (1 of 4 stars; one submission).

gnomAD v4.1: 1 of 1,613,424 alleles (0.000062%); highest among the groups gnomAD compares: Non-Finnish European, 0.000085%; no homozygotes.

Submission:

Ambry Genetics
Classification: Uncertain significance. Last evaluated: 2026-03-25. Review status: criteria provided, single submitter. Criteria: Ambry Variant Classification Scheme 2023. Collection method: clinical testing. Allele origin: germline.
Comment: The p.H1228R variant (also known as c.3683A>G), located in coding exon 33 of the KIF1B gene, results from an A to G substitution at nucleotide position 3683. The histidine at codon 1228 is replaced by arginine, an amino acid with highly similar properties. This amino acid position is highly conserved in available vertebrate species. In addition, this alteration is predicted to be deleterious by in silico analysis. The evidence for this gene-disease relationship is limited; therefore, the clinical significance of this variant is unclear.

NM_001365951.3(KIF1B):c.3821A>G (p.His1274Arg)

Gene: KIF1B (kinesin family member 1B; plus strand). Cytogenetic location: 1p36.22.
Variant type: single nucleotide variant.
Coding change: c.3821A>G on transcript NM_001365951.3 (MANE Select); coding-DNA position 3821, A replaced by G.
Protein change: p.His1274Arg; replaces histidine 1274 with arginine.
Molecular consequence: missense variant.
Genome position (GRCh38, 1-based): chr1:10,347,784, A>G. VCF-style: chr1-10347784-A-G. GRCh37 (hg19) VCF-style: chr1-10407842-A-G.
Other names: c.3821A>G, p.His1274Arg (NM_001365952.1); c.3683A>G, p.His1228Arg (NM_015074.3); short protein forms H1228R, H1274R.
Identifiers: ClinVar variation 4858811 (VCV004858811.1).
Genomic context (GRCh38, chr1:10,347,784, plus strand): 5'-AGCACTTAGTTTTTTCTTTTGCGTTTCTATTTTTTAGGTATATCCCAGCTGTGGTTGACC[A>G]CACAGCAGGCTTGCCTTGCCAGGGGACATTTTTGCTTCATCAGGTACTAATGAGGGACCA-3'
Protein context (NP_001352880.1, residues 1264-1284): TGEYIPAVVD[His1274Arg]TAGLPCQGTF